The following is an entry in ClinVar:

ClinVar aggregate classification (germline): Uncertain significance. Review status: criteria provided, multiple submitters, no conflicts (2 of 4 stars). 3 submissions from 3 submitters: Uncertain significance (3). Last evaluated 2023-01-25.

Conditions:
Hereditary spastic paraplegia 7 (SPG7). Also called: Spastic paraplegia 7; Hereditary spastic paraplegia Paraplegin type; SPASTIC PARAPLEGIA 7, AUTOSOMAL RECESSIVE, WITH OR WITHOUT CEREBELLAR ATAXIA; Autosomal recessive spastic paraplegia type 7; SPG7-related neurologic disorder. Identifiers: Orphanet 99013, MedGen C1846564, MONDO:0011803, OMIM 607259.

Allele frequency attached by ClinVar (database versions not stated): ExAC 0.00001; gnomAD 0.00001; gnomAD exomes 0.00001.
gnomAD v4.1: 11 of 1,606,600 alleles (0.00068%); highest among the groups gnomAD compares: East Asian, 0.0022%; no homozygotes.

Submissions (3):

Labcorp Genetics (formerly Invitae), Labcorp
Classification: Uncertain significance for Hereditary spastic paraplegia 7. Last evaluated: 2023-01-25. Review status: criteria provided, single submitter. Criteria: Invitae Variant Classification Sherloc (09022015). Collection method: clinical testing. Allele origin: germline.
Comment: This sequence change affects codon 727 of the SPG7 mRNA. It is a 'silent' change, meaning that it does not change the encoded amino acid sequence of the SPG7 protein. This variant also falls at the last nucleotide of exon 16, which is part of the consensus splice site for this exon. In summary, the available evidence is currently insufficient to determine the role of this variant in disease. Therefore, it has been classified as a Variant of Uncertain Significance. Variants that disrupt the consensus splice site are a relatively common cause of aberrant splicing (PMID: 17576681, 9536098). Algorithms developed to predict the effect of sequence changes on RNA splicing suggest that this variant may disrupt the consensus splice site. ClinVar contains an entry for this variant (Variation ID: 1305443). This variant has been observed in individual(s) with hereditary spastic paraplegia (PMID: 30098094). This variant is present in population databases (rs753423781, gnomAD 0.007%).

GeneDx
Classification: Uncertain significance. Last evaluated: 2022-05-04. Review status: criteria provided, single submitter. Criteria: GeneDx Variant Classification Process June 2021. Collection method: clinical testing. Allele origin: germline. Affected: yes.
Comment: Previously reported in an individual with ataxia who harbored a second pathogenic SPG7 variant, however segregation information was not provided (Mancini et al., 2018); In silico analysis supports a deleterious effect on splicing; This variant is associated with the following publications: (PMID: 30098094)

PROSPAX: an integrated multimodal progression  chart in spastic ataxias, Center for Neurology; Hertie-Institute for Clinical Brain Research
Classification: Uncertain significance for Hereditary spastic paraplegia 7. Last evaluated: 2022-01-01. Review status: criteria provided, single submitter. Criteria: ACMG Guidelines, 2015. Collection method: research. Allele origin: germline. Affected: yes. Observed: 1 variant allele, 1 compound heterozygote.

Literature cited by the submitters: PubMed 17576681 (cited by Labcorp Genetics (formerly Invitae), Labcorp); PubMed 9536098 (cited by Labcorp Genetics (formerly Invitae), Labcorp); PubMed 30098094 (cited by Labcorp Genetics (formerly Invitae), Labcorp).

NM_003119.4(SPG7):c.2181G>A (p.Ala727=)

Gene: SPG7 (SPG7 matrix AAA peptidase subunit, paraplegin; plus strand). Cytogenetic location: 16q24.3.
Variant type: single nucleotide variant.
Coding change: c.2181G>A on transcript NM_003119.4 (MANE Select); coding-DNA position 2181, G replaced by A.
Protein change: p.Ala727=; no amino-acid change (alanine 727 retained).
Molecular consequence: synonymous variant.
Genome position (GRCh38, 1-based): chr16:89,554,563, G>A. VCF-style: chr16-89554563-G-A. GRCh37 (hg19) VCF-style: chr16-89620971-G-A.
Other names: c.2181G>A, p.Ala727= (NM_001363850.1).
Identifiers: ClinVar variation 1305443 (VCV001305443.7), dbSNP rs753423781, ClinGen allele CA8244567.